The following is an entry in ClinVar:

ClinVar aggregate classification (germline): Conflicting classifications of pathogenicity. Review status: criteria provided, conflicting classifications (1 of 4 stars). 3 submissions from 3 submitters: Uncertain significance (1); Benign (1); Likely benign (1). Last evaluated 2025-09-26.

Conditions:
Spinocerebellar ataxia, autosomal recessive, with axonal neuropathy 2 (SCAN2). Also called: Ataxia with Oculomotor Apraxia Type 2; Ataxia with Oculomotor Apraxia; ATAXIA-OCULOMOTOR APRAXIA 2; Ataxia-ocular apraxia-2. Identifiers: Orphanet 64753, MedGen C1853761, MONDO:0018996, OMIM 606002.
Amyotrophic lateral sclerosis type 4 (ALS4). Also called: NEURONOPATHY, DISTAL HEREDITARY MOTOR, WITH PYRAMIDAL FEATURES; AMYOTROPHIC LATERAL SCLEROSIS 4, JUVENILE. Identifiers: Orphanet 357043, MedGen C1865409, MONDO:0011223, OMIM 602433.

Allele frequency attached by ClinVar (database versions not stated): TOPMed 0.00005; gnomAD 0.00006; ESP Exome Variant Server 0.00008; gnomAD exomes 0.00011; ExAC 0.00017.
gnomAD v4.1: 98 of 1,614,110 alleles (0.0061%); highest among the groups gnomAD compares: Non-Finnish European, 0.0064%; no homozygotes.

Submissions (3):

Athena Diagnostics
Classification: Likely benign. Last evaluated: 2025-09-26. Review status: criteria provided, single submitter. Criteria: Athena Diagnostics Criteria. Collection method: clinical testing. Allele origin: unknown.
Comment: The frequency of this variant in the general population is higher than would generally be expected for pathogenic variants in this gene.

Labcorp Genetics (formerly Invitae), Labcorp
Classification: Benign for Amyotrophic lateral sclerosis type 4; Spinocerebellar ataxia, autosomal recessive, with axonal neuropathy 2. Last evaluated: 2025-01-25. Review status: criteria provided, single submitter. Criteria: Invitae Variant Classification Sherloc (09022015). Collection method: clinical testing. Allele origin: germline.

Blueprint Genetics
Classification: Uncertain significance. Last evaluated: 2024-06-19. Review status: criteria provided, single submitter. Criteria: ACMG Guidelines, 2015. Collection method: clinical testing. Allele origin: germline.

Literature cited by the submitters: PubMed 25382069 (cited by Athena Diagnostics).

NM_015046.7(SETX):c.7597C>T (p.His2533Tyr)

Gene: SETX (senataxin; minus strand). Cytogenetic location: 9q34.13.
Variant type: single nucleotide variant.
Coding change: c.7597C>T on transcript NM_015046.7 (MANE Select); coding-DNA position 7597, C replaced by T.
Protein change: p.His2533Tyr; replaces histidine 2533 with tyrosine.
Molecular consequence: missense variant.
Genome position (GRCh38, 1-based): chr9:132,264,676, G>A on the plus strand (C>T on the coding strand, the complement: SETX is on the minus strand). VCF-style: chr9-132264676-G-A. GRCh37 (hg19) VCF-style: chr9-135140063-G-A.
Other names: c.7597C>T, p.His2533Tyr (NM_001351527.2); c.7684C>T, p.His2562Tyr (NM_001351528.2); short protein forms H2533Y, H2562Y.
Identifiers: ClinVar variation 839750 (VCV000839750.12), dbSNP rs202121071, ClinGen allele CA5296367.